The following is an entry in ClinVar:

NM_001849.4(COL6A2):c.115+6del

Gene: COL6A2 (collagen type VI alpha 2 chain; plus strand). Cytogenetic location: 21q22.3.
Variant type: Deletion.
Coding change: c.115+6del on transcript NM_001849.4 (MANE Select); 6 bases into the intron after coding-DNA position 115, one base deleted (A; older notation c.115+6delA).
Molecular consequence: intron variant.
Genome position (GRCh38, 1-based): chr21:46,111,597, A deleted. VCF-style (leftmost placement, unchanged base first): chr21-46111596-CA-C. GRCh37 (hg19) VCF-style: chr21-47531510-CA-C.
Other names: c.115+6del (NM_058175.3, NM_058174.3); c.115+6delA (NM_001849.3).
Identifiers: ClinVar variation 284479 (VCV000284479.54), dbSNP rs578127995, ClinGen allele CA10071180.

ClinVar aggregate classification (germline): Conflicting classifications of pathogenicity. Review status: criteria provided, conflicting classifications (1 of 4 stars). 3 submissions from 3 submitters: Uncertain significance (1); Likely benign (2). Last evaluated 2026-01-07.

Conditions:
Bethlem myopathy 1A. Also called: Bethlem myopathy 1; MYOPATHY, BENIGN CONGENITAL, WITH CONTRACTURES; Bethlem Muscular Dystrophy. Identifiers: Orphanet 610, MedGen CN029274, MONDO:0024530, OMIM 158810.

Allele frequency attached by ClinVar (database versions not stated): gnomAD exomes 0.00010 and 0.00012; ExAC 0.00027; 1000 Genomes Project 30x 0.00047; 1000 Genomes Project 0.00060; ESP Exome Variant Server 0.00096; gnomAD 0.00098 and 0.00102; TOPMed 0.00128.

Submissions (3):

Labcorp Genetics (formerly Invitae), Labcorp
Classification: Likely benign for Bethlem myopathy 1A. Last evaluated: 2026-01-07. Review status: criteria provided, single submitter. Criteria: Invitae Variant Classification Sherloc (09022015). Collection method: clinical testing. Allele origin: germline.

GeneDx
Classification: Likely benign. Last evaluated: 2019-06-20. Review status: criteria provided, single submitter. Criteria: GeneDx Variant Classification Process June 2021. Collection method: clinical testing. Allele origin: germline. Affected: yes.
Comment: This variant is associated with the following publications: (PMID: 30564623)

Eurofins Ntd Llc (ga)
Classification: Uncertain significance. Last evaluated: 2017-02-02. Review status: criteria provided, single submitter. Criteria: EGL Classification Definitions 2015. Collection method: clinical testing. Allele origin: germline. Observed: 8 variant alleles, 7 heterozygotes.